The following is an entry in ClinVar:

ClinVar aggregate classification (germline): Uncertain significance (1 of 4 stars; one submission).

Allele frequency attached by ClinVar (database versions not stated): gnomAD 0.00008; ExAC 0.00005; ESP Exome Variant Server 0.00008.
gnomAD v4.1: 59 of 1,591,520 alleles (0.0037%); highest among the groups gnomAD compares: Admixed American, 0.012%; no homozygotes.

Submission:

Labcorp Genetics (formerly Invitae), Labcorp
Classification: Uncertain significance. Last evaluated: 2025-09-08. Review status: criteria provided, single submitter. Criteria: Invitae Variant Classification Sherloc (09022015). Collection method: clinical testing. Allele origin: germline.
Comment: This sequence change replaces aspartic acid, which is acidic and polar, with asparagine, which is neutral and polar, at codon 413 of the KANK2 protein (p.Asp413Asn). This variant is present in population databases (rs370150574, gnomAD 0.02%). This variant has not been reported in the literature in individuals affected with KANK2-related conditions. ClinVar contains an entry for this variant (Variation ID: 2964978). An algorithm developed to predict the effect of missense changes on protein structure and function outputs the following: PolyPhen-2: "Benign". The asparagine amino acid residue is found in multiple mammalian species, which suggests that this missense change does not adversely affect protein function. In summary, the available evidence is currently insufficient to determine the role of this variant in disease. Therefore, it has been classified as a Variant of Uncertain Significance.

NM_001136191.3(KANK2):c.1237G>A (p.Asp413Asn)

Gene: KANK2 (KN motif and ankyrin repeat domains 2; minus strand). Cytogenetic location: 19p13.2.
Variant type: single nucleotide variant.
Coding change: c.1237G>A on transcript NM_001136191.3 (MANE Select); coding-DNA position 1237, G replaced by A.
Protein change: p.Asp413Asn; replaces aspartic acid 413 with asparagine.
Molecular consequence: missense variant.
Genome position (GRCh38, 1-based): chr19:11,192,843, C>T on the plus strand (G>A on the coding strand, the complement: KANK2 is on the minus strand). VCF-style: chr19-11192843-C-T. GRCh37 (hg19) VCF-style: chr19-11303519-C-T.
Other names: c.1237G>A, p.Asp413Asn (NM_001329451.2, NM_001379548.1, NM_001379549.1 and 15 more transcripts); short protein forms D413N.
Identifiers: ClinVar variation 2964978 (VCV002964978.3), dbSNP rs370150574, ClinGen allele CA9205866.
Genomic context (GRCh38, chr19:11,192,843, plus strand): 5'-GCCCCCCCCCCCCAAGCCATTCTCCCCTGCCTGCCTGCGACCGCTTACCTGCTGCTCCAT[C>T]GCAGCTTCGCTCTGTGATGCTAATCTTCTTCACCATATGGACGTTGCTGGTAGCTGCAGC-3'
Protein context (NP_001129663.1, residues 403-423): KKISITERSC[Asp413Asn]GAAGLPEVPA